The following is an entry in ClinVar:

ClinVar aggregate classification (germline): Pathogenic. Review status: criteria provided, multiple submitters, no conflicts (2 of 4 stars). 3 submissions from 3 submitters: Pathogenic (3). Last evaluated 2020-01-01.

Conditions:
Von Hippel-Lindau syndrome (VHLS). Also called: Von Hippel-Lindau; VHL syndrome; von Hippel–Lindau syndrome. Identifiers: Orphanet 892, MedGen C0019562, MONDO:0008667, OMIM 193300. Disease mechanism: loss of function.
Chuvash polycythemia. Also called: POLYCYTHEMIA, VHL-DEPENDENT. Identifiers: Orphanet 238557, MedGen C1837915, MONDO:0009892, OMIM 263400.
Hereditary cancer-predisposing syndrome. Also called: Neoplastic Syndromes, Hereditary; Hereditary Cancer Syndrome; Tumor predisposition; Hereditary neoplastic syndrome. Identifiers: Orphanet 140162, MedGen C0027672, MeSH D009386, MONDO:0015356.

Submissions (3):

GeneKor MSA
Classification: Pathogenic for Hereditary cancer-predisposing syndrome. Last evaluated: 2020-01-01. Review status: criteria provided, single submitter. Criteria: ACMG Guidelines, 2015. Collection method: clinical testing. Allele origin: germline. Affected: yes.
Comment: This variant is a single amino acid change from Glutamate to a premature translational stop signal at codon 94 of the VHL protein. This is expected to result in an absent or disrupted protein product.. This variant has been described in the international literature in an individual undergoing panel testing for hereditary syndrome (PMID: 31159747). The mutation database ClinVar contains entries for this variant (Variation ID: 584477).

Labcorp Genetics (formerly Invitae), Labcorp
Classification: Pathogenic for Von Hippel-Lindau syndrome; Chuvash polycythemia. Last evaluated: 2019-04-08. Review status: criteria provided, single submitter. Criteria: Invitae Variant Classification Sherloc (09022015). Collection method: clinical testing. Allele origin: germline.
Comment: For these reasons, this variant has been classified as Pathogenic. Loss-of-function variants in VHL are known to be pathogenic (PMID: 8956040, 12202531). This variant has been observed in several individuals and families affected with von Hippel-Lindau syndrome (PMID: 7987306, 12000816, 12624160, 22357542). This variant is also known as 493G>T and Glu165Ter in the literature. ClinVar contains an entry for this variant (Variation ID: 584477). This variant is not present in population databases (ExAC no frequency). This sequence change creates a premature translational stop signal (p.Glu94*) in the VHL gene. It is expected to result in an absent or disrupted protein product.

Genomic Diagnostic Laboratory, Division of Genomic Diagnostics, Children's Hospital of Philadelphia
Classification: Pathogenic for von Hippel-Lindau syndrome. Last evaluated: 2018-08-01. Review status: criteria provided, single submitter. Criteria: DGD Variant Analysis Guidelines. Collection method: clinical testing. Allele origin: germline. Affected: yes. Observed: 1 variant allele.

Literature cited by the submitters: PubMed 8956040 (cited by Labcorp Genetics (formerly Invitae), Labcorp); PubMed 12202531 (cited by Labcorp Genetics (formerly Invitae), Labcorp); PubMed 7987306 (cited by Labcorp Genetics (formerly Invitae), Labcorp); PubMed 12000816 (cited by Labcorp Genetics (formerly Invitae), Labcorp); PubMed 12624160 (cited by Labcorp Genetics (formerly Invitae), Labcorp); PubMed 22357542 (cited by Labcorp Genetics (formerly Invitae), Labcorp).

NM_000551.4(VHL):c.280G>T (p.Glu94Ter)

Gene: VHL (von Hippel-Lindau tumor suppressor; plus strand). Cytogenetic location: 3p25.3.
Variant type: single nucleotide variant.
Coding change: c.280G>T on transcript NM_000551.4 (MANE Select); coding-DNA position 280, G replaced by T.
Protein change: p.Glu94Ter; replaces glutamic acid 94 with a stop codon.
Molecular consequence: nonsense.
Genome position (GRCh38, 1-based): chr3:10,142,127, G>T. VCF-style: chr3-10142127-G-T. GRCh37 (hg19) VCF-style: chr3-10183811-G-T.
Other names: c.280G>T, p.Glu94Ter (NM_001354723.2, NM_198156.3); short protein forms E94*.
Identifiers: ClinVar variation 584477 (VCV000584477.13), dbSNP rs5030829, ClinGen allele CA70046202.